The following is an entry in ClinVar:

ClinVar aggregate classification (germline): Uncertain significance (1 of 4 stars; one submission).

Conditions:
Thrombophilia due to protein C deficiency, autosomal dominant. Also called: PROC DEFICIENCY, AUTOSOMAL DOMINANT; PROTEIN C DEFICIENCY, AUTOSOMAL DOMINANT. Identifiers: Orphanet 745, MedGen C2674321, MONDO:0008316, OMIM 176860. Disease mechanism: loss of function.

gnomAD v4.1: 1 of 1,613,130 alleles (0.000062%); no homozygotes.

Submission:

Labcorp Genetics (formerly Invitae), Labcorp
Classification: Uncertain significance for Thrombophilia due to protein C deficiency, autosomal dominant. Last evaluated: 2023-07-12. Review status: criteria provided, single submitter. Criteria: Invitae Variant Classification Sherloc (09022015). Collection method: clinical testing. Allele origin: germline.
Comment: This sequence change affects codon 23 of the PROC mRNA. It is a 'silent' change, meaning that it does not change the encoded amino acid sequence of the PROC protein. It affects a nucleotide within the consensus splice site. This variant is not present in population databases (gnomAD no frequency). This variant has not been reported in the literature in individuals affected with PROC-related conditions. Algorithms developed to predict the effect of sequence changes on RNA splicing suggest that this variant is not likely to affect RNA splicing. In summary, the available evidence is currently insufficient to determine the role of this variant in disease. Therefore, it has been classified as a Variant of Uncertain Significance.

NM_000312.4(PROC):c.69T>C (p.Leu23=)

Gene: PROC (protein C, inactivator of coagulation factors Va and VIIIa; plus strand). Cytogenetic location: 2q14.3.
Variant type: single nucleotide variant.
Coding change: c.69T>C on transcript NM_000312.4 (MANE Select); coding-DNA position 69, T replaced by C.
Protein change: p.Leu23=; no amino-acid change (leucine 23 retained).
Molecular consequence: synonymous variant. On other transcripts: missense variant (1), intron variant (1).
Genome position (GRCh38, 1-based): chr2:127,420,011, T>C. VCF-style: chr2-127420011-T-C. GRCh37 (hg19) VCF-style: chr2-128177587-T-C.
Other names: c.252T>C, p.Leu84= (NM_001375602.1); c.132T>C, p.Leu44= (NM_001375603.1, NM_001375604.1, NM_001375606.1); c.69T>C, p.Leu23= (NM_001375605.1, NM_001375608.1, NM_001375610.1 and 2 more transcripts); c.188T>C, p.Leu63Ser (NM_001375607.1); c.47-1272T>C (NM_001375609.1); short protein forms L63S.
Identifiers: ClinVar variation 2910456 (VCV002910456.3), dbSNP rs2468319152, ClinGen allele CA428616787.